The following is an entry in ClinVar:

NM_001369.3(DNAH5):c.5139C>A (p.Cys1713Ter)

Gene: DNAH5 (dynein axonemal heavy chain 5; minus strand). Cytogenetic location: 5p15.2.
Variant type: single nucleotide variant.
Coding change: c.5139C>A on transcript NM_001369.3 (MANE Select); coding-DNA position 5139, C replaced by A.
Protein change: p.Cys1713Ter; replaces cysteine 1713 with a stop codon.
Molecular consequence: nonsense.
Genome position (GRCh38, 1-based): chr5:13,844,969, G>T on the plus strand (C>A on the coding strand, the complement: DNAH5 is on the minus strand). VCF-style: chr5-13844969-G-T. GRCh37 (hg19) VCF-style: chr5-13845078-G-T.
Other names: short protein forms C1713*.
Identifiers: ClinVar variation 5013083 (VCV005013083.1).

ClinVar aggregate classification (germline): Pathogenic (1 of 4 stars; one submission).

Conditions:
Primary ciliary dyskinesia 3. Identifiers: Orphanet 244, MedGen C1837618, MONDO:0012085, OMIM 608644.

Submission:

Myriad Genetics, Inc.
Classification: Pathogenic for Primary ciliary dyskinesia 3. Last evaluated: 2024-05-21. Review status: criteria provided, single submitter. Criteria: Myriad Autosomal Dominant, Autosomal Recessive and X-Linked Classification Criteria (2023). Collection method: clinical testing. Allele origin: unknown.
Comment: NM_001369.2(DNAH5):c.5139C>A(C1713*) is expected to be pathogenic in the context of primary ciliary dyskinesia, DNAH5-related. This variant is predicted to lead to an abnormal or absent protein product due to the creation of a premature termination codon in DNAH5, a gene where loss-of-function variants are known to be pathogenic. Please note: this variant was assessed in the context of healthy population screening.